The following is an entry in ClinVar:

NM_020778.5(ALPK3):c.3454C>G (p.Pro1152Ala)

Gene: ALPK3 (alpha kinase 3; plus strand). Cytogenetic location: 15q25.3.
Variant type: single nucleotide variant.
Coding change: c.3454C>G on transcript NM_020778.5 (MANE Select); coding-DNA position 3454, C replaced by G.
Protein change: p.Pro1152Ala; replaces proline 1152 with alanine.
Molecular consequence: missense variant.
Genome position (GRCh38, 1-based): chr15:84,858,192, C>G. VCF-style: chr15-84858192-C-G. GRCh37 (hg19) VCF-style: chr15-85401423-C-G.
Other names: short protein forms P1152A.
Identifiers: ClinVar variation 1464600 (VCV001464600.10), dbSNP rs780056277, ClinGen allele CA7709632.

ClinVar aggregate classification (germline): Uncertain significance. Review status: criteria provided, multiple submitters, no conflicts (2 of 4 stars). 3 submissions from 3 submitters: Uncertain significance (3). Last evaluated 2025-08-11.

Conditions:
Cardiovascular phenotype. Identifiers: MedGen CN230736.

Allele frequency attached by ClinVar (database versions not stated): ExAC 0.00001; gnomAD exomes 0.00002 and 0.00003; gnomAD 0.00003; TOPMed 0.00003.
gnomAD v4.1: 39 of 1,612,386 alleles (0.0024%); highest among the groups gnomAD compares: Admixed American, 0.0033%; no homozygotes.

Submissions (3):

Labcorp Genetics (formerly Invitae), Labcorp
Classification: Uncertain significance. Last evaluated: 2025-08-11. Review status: criteria provided, single submitter. Criteria: Invitae Variant Classification Sherloc (09022015). Collection method: clinical testing. Allele origin: germline.
Comment: This sequence change replaces proline, which is neutral and non-polar, with alanine, which is neutral and non-polar, at codon 1354 of the ALPK3 protein (p.Pro1354Ala). This variant is present in population databases (rs780056277, gnomAD 0.003%). This variant has not been reported in the literature in individuals affected with ALPK3-related conditions. ClinVar contains an entry for this variant (Variation ID: 1464600). Invitae Evidence Modeling of protein sequence and biophysical properties (such as structural, functional, and spatial information, amino acid conservation, physicochemical variation, residue mobility, and thermodynamic stability) indicates that this missense variant is expected to disrupt ALPK3 protein function with a positive predictive value of 80%. In summary, the available evidence is currently insufficient to determine the role of this variant in disease. Therefore, it has been classified as a Variant of Uncertain Significance.

Women's Health and Genetics/Laboratory Corporation of America, LabCorp
Classification: Uncertain significance. Last evaluated: 2025-06-09. Review status: criteria provided, single submitter. Criteria: LabCorp Variant Classification Summary - May 2015. Collection method: clinical testing. Allele origin: germline.

Ambry Genetics
Classification: Uncertain significance for Cardiovascular phenotype. Last evaluated: 2024-02-09. Review status: criteria provided, single submitter. Criteria: Ambry Variant Classification Scheme 2023. Collection method: clinical testing. Allele origin: germline.
Comment: The p.P1354A variant (also known as c.4060C>G), located in coding exon 6 of the ALPK3 gene, results from a C to G substitution at nucleotide position 4060. The proline at codon 1354 is replaced by alanine, an amino acid with highly similar properties. This amino acid position is well conserved in available vertebrate species. In addition, this alteration is predicted to be tolerated by in silico analysis. Since supporting evidence is limited at this time, the clinical significance of this alteration remains unclear.